The following is an entry in ClinVar:

NM_000179.3(MSH6):c.2124A>G (p.Glu708=)

Gene: MSH6 (mutS homolog 6; plus strand). Cytogenetic location: 2p16.3.
Variant type: single nucleotide variant.
Coding change: c.2124A>G on transcript NM_000179.3 (MANE Select); coding-DNA position 2124, A replaced by G.
Protein change: p.Glu708=; no amino-acid change (glutamic acid 708 retained).
Molecular consequence: synonymous variant.
Genome position (GRCh38, 1-based): chr2:47,800,107, A>G. VCF-style: chr2-47800107-A-G. GRCh37 (hg19) VCF-style: chr2-48027246-A-G.
Other names: c.1734A>G, p.Glu578= (NM_001281492.2); c.1218A>G, p.Glu406= (NM_001281493.2, NM_001281494.2).
Identifiers: ClinVar variation 416157 (VCV000416157.14), dbSNP rs781730324, ClinGen allele CA068480.

ClinVar aggregate classification (germline): Benign/Likely benign. Review status: criteria provided, multiple submitters, no conflicts (2 of 4 stars). 3 submissions from 3 submitters: Benign (1); Likely benign (2). Last evaluated 2026-04-13.

Conditions:
Hereditary nonpolyposis colorectal neoplasms. Identifiers: MedGen C0009405, MeSH D003123.
Hereditary cancer-predisposing syndrome. Also called: Hereditary Cancer Syndrome; Tumor predisposition; Hereditary neoplastic syndrome; Neoplastic Syndromes, Hereditary. Identifiers: Orphanet 140162, MedGen C0027672, MeSH D009386, MONDO:0015356.
Lynch syndrome 5 (LYNCH5). Also called: Hereditary non-polyposis colorectal cancer, type 5; Colorectal cancer, hereditary nonpolyposis, type 5. Identifiers: Orphanet 144, MedGen C1833477, MONDO:0013710, OMIM 614350. Disease mechanism: loss of function.

Allele frequency attached by ClinVar (database versions not stated): ExAC 0.00001; gnomAD exomes below 0.00001.

Submissions (3):

Ambry Genetics
Classification: Likely benign for Hereditary cancer-predisposing syndrome. Last evaluated: 2026-04-13. Review status: criteria provided, single submitter. Criteria: Ambry Variant Classification Scheme 2023. Collection method: clinical testing. Allele origin: germline.

Myriad Genetics, Inc.
Classification: Benign for Lynch syndrome 5. Last evaluated: 2024-12-30. Review status: criteria provided, single submitter. Criteria: Myriad Autosomal Dominant, Autosomal Recessive and X-Linked Classification Criteria (2023). Collection method: clinical testing. Allele origin: unknown.
Comment: This variant is considered benign. This variant is a silent/synonymous amino acid change and it is not expected to impact splicing.

Labcorp Genetics (formerly Invitae), Labcorp
Classification: Likely benign for Hereditary nonpolyposis colorectal neoplasms. Last evaluated: 2022-09-23. Review status: criteria provided, single submitter. Criteria: Invitae Variant Classification Sherloc (09022015). Collection method: clinical testing. Allele origin: germline.